The following is an entry in ClinVar:

NM_001267550.2(TTN):c.58714_58715insCT (p.Lys19572fs)

Genes: TTN (titin; minus strand), TTN-AS1 (TTN antisense RNA 1; plus strand). Cytogenetic location: 2q31.2.
Variant type: Insertion.
Coding change: c.58714_58715insCT on transcript NM_001267550.2 (MANE Select); coding-DNA positions 58714 to 58715, CT inserted.
Protein change: p.Lys19572fs; shifts the reading frame from lysine 19572.
Molecular consequence: frameshift variant.
Genome position: GRCh38 VCF-style: chr2-178593585-T-TAG. GRCh37 (hg19) VCF-style: chr2-179458312-T-TAG.
Other names: c.53791_53792insCT, p.Lys17931fs (NM_001256850.1); c.31519_31520insCT, p.Lys10507fs (NM_003319.4); c.51010_51011insCT, p.Lys17004fs (NM_133378.4); c.31894_31895insCT, p.Lys10632fs (NM_133432.3); c.32095_32096insCT, p.Lys10699fs (NM_133437.4); short protein forms K10507fs, K10632fs, K10699fs, K17004fs, K17931fs, K19572fs.
Identifiers: ClinVar variation 4687920 (VCV004687920.1).

ClinVar aggregate classification (germline): Pathogenic (1 of 4 stars; one submission).

Conditions:
Dilated cardiomyopathy 1G (CMD1G). Identifiers: Orphanet 154, MedGen C1858763, MONDO:0011400, OMIM 604145.

Submission:

Human Genetics Bochum, Ruhr University Bochum
Classification: Pathogenic for Dilated cardiomyopathy 1G. Last evaluated: 2025-06-02. Review status: criteria provided, single submitter. Criteria: ACMG Guidelines, 2015. Collection method: clinical testing. Allele origin: germline. Affected: yes.
Comment: ACMG criteria used to clasify this variant: PVS1, PM2_SUP